The following is an entry in ClinVar:

ClinVar aggregate classification (germline): Uncertain significance (1 of 4 stars; one submission).

Conditions:
Inborn genetic diseases. Identifiers: MedGen C0950123, MeSH D030342.

Submission:

Ambry Genetics
Classification: Uncertain significance for Inborn genetic diseases. Last evaluated: 2024-05-07. Review status: criteria provided, single submitter. Criteria: Ambry Variant Classification Scheme 2023. Collection method: clinical testing. Allele origin: germline.
Comment: The p.M138T variant (also known as c.413T>C), located in coding exon 5 of the BUB1B gene, results from a T to C substitution at nucleotide position 413. The methionine at codon 138 is replaced by threonine, an amino acid with similar properties. This amino acid position is conserved. In addition, this alteration is predicted to be tolerated by in silico analysis. Since supporting evidence is limited at this time, the clinical significance of this alteration remains unclear.

NM_001211.6(BUB1B):c.413T>C (p.Met138Thr)

Gene: BUB1B (BUB1 mitotic checkpoint serine/threonine kinase B; plus strand). Cytogenetic location: 15q15.1.
Variant type: single nucleotide variant.
Coding change: c.413T>C on transcript NM_001211.6 (MANE Select); coding-DNA position 413, T replaced by C.
Protein change: p.Met138Thr; replaces methionine 138 with threonine.
Molecular consequence: missense variant.
Genome position (GRCh38, 1-based): chr15:40,176,505, T>C. VCF-style: chr15-40176505-T-C. GRCh37 (hg19) VCF-style: chr15-40468706-T-C.
Other names: short protein forms M138T.
Identifiers: ClinVar variation 1738151 (VCV001738151.3), dbSNP rs2542523964, ClinGen allele CA391681097.